The following is an entry in ClinVar:

NM_007078.3(LDB3):c.1520C>A (p.Thr507Asn)

Gene: LDB3 (LIM domain binding 3; plus strand). Cytogenetic location: 10q23.2.
Variant type: single nucleotide variant.
Coding change: c.1520C>A on transcript NM_007078.3 (MANE Select); coding-DNA position 1520, C replaced by A.
Protein change: p.Thr507Asn; replaces threonine 507 with asparagine.
Molecular consequence: missense variant.
Genome position (GRCh38, 1-based): chr10:86,716,615, C>A. VCF-style: chr10-86716615-C-A. GRCh37 (hg19) VCF-style: chr10-88476372-C-A.
Other names: c.1520C>A (LRG_385t1); c.1190C>A, p.Thr397Asn (NM_001080114.2); c.1535C>A, p.Thr512Asn (NM_001171610.2); c.1331C>A, p.Thr444Asn (NM_001368064.1, NM_001368065.1); c.1379C>A, p.Thr460Asn (NM_001368066.1); short protein forms T507N, T444N, T460N, T512N, T397N.
Identifiers: ClinVar variation 565990 (VCV000565990.10), dbSNP rs150188572, ClinGen allele CA5585176.

ClinVar aggregate classification (germline): Uncertain significance. Review status: criteria provided, multiple submitters, no conflicts (2 of 4 stars). 2 submissions from 2 submitters: Uncertain significance (2). Last evaluated 2024-04-16.

Conditions:
Dilated cardiomyopathy 1C (CMD1C). Also called: CARDIOMYOPATHY, DILATED, 1C, WITH OR WITHOUT LEFT VENTRICULAR NONCOMPACTION; Cardiomyopathy, dilated, 1C, with or without LVNC. Identifiers: Orphanet 154, Orphanet 54260, MedGen C1832244, MONDO:0011094, OMIM 601493.
Myofibrillar myopathy 4. Also called: Zaspopathy (type). Identifiers: Orphanet 98912, MedGen C4721886, MONDO:0012277, OMIM 609452.

Allele frequency attached by ClinVar (database versions not stated): gnomAD 0.00003 and 0.00002; TOPMed 0.00001; ExAC 0.00002; gnomAD exomes 0.00002.
gnomAD v4.1: 42 of 1,613,914 alleles (0.0026%); highest among the groups gnomAD compares: Non-Finnish European, 0.0033%; no homozygotes.

Submissions (2):

Labcorp Genetics (formerly Invitae), Labcorp
Classification: Uncertain significance for Myofibrillar myopathy 4. Last evaluated: 2024-04-16. Review status: criteria provided, single submitter. Criteria: Invitae Variant Classification Sherloc (09022015). Collection method: clinical testing. Allele origin: germline.
Comment: The LDB3 gene has multiple clinically relevant transcripts. This variant occurs in alternate transcript NM_007078.3, and corresponds to NM_001080116.1:c.*17241C>A in the primary transcript. This sequence change replaces threonine, which is neutral and polar, with asparagine, which is neutral and polar, at codon 507 of the LDB3 protein (p.Thr507Asn). This variant is present in population databases (rs150188572, gnomAD 0.005%). This variant has not been reported in the literature in individuals affected with LDB3-related conditions. Experimental studies and prediction algorithms are not available or were not evaluated, and the functional significance of this variant is currently unknown. In summary, the available evidence is currently insufficient to determine the role of this variant in disease. Therefore, it has been classified as a Variant of Uncertain Significance.

Fulgent Genetics
Classification: Uncertain significance for Dilated cardiomyopathy 1C; Myofibrillar myopathy 4. Last evaluated: 2021-11-17. Review status: criteria provided, single submitter. Criteria: ACMG Guidelines, 2015. Collection method: clinical testing. Allele origin: unknown.